The following is an entry in ClinVar:

ClinVar aggregate classification (germline): not provided (0 of 4 stars; one submission).

Conditions:
Hyperimmunoglobulin D with periodic fever (HIDS). Also called: HYPERIMMUNOGLOBULINEMIA D AND PERIODIC FEVER SYNDROME; Hyperimmunoglobulinemia D; Hyperimmunoglobulinemia D with periodic fever. Identifiers: Orphanet 343, MedGen C0398691, MONDO:0009849, OMIM 260920.

Submission:

Unité médicale des maladies autoinflammatoires, CHRU Montpellier
No classification provided. Condition: Hyperimmunoglobulin D with periodic fever. Review status: no classification provided. Collection method: not provided. Allele origin: unknown.
Comment: also involved in OMIM 25117

NM_000431.4(MVK):c.75C>T (p.Gly25=)

Gene: MVK (mevalonate kinase; plus strand). Cytogenetic location: 12q24.11.
Variant type: single nucleotide variant.
Coding change: c.75C>T on transcript NM_000431.4 (MANE Select); coding-DNA position 75, C replaced by T.
Protein change: p.Gly25=; no amino-acid change (glycine 25 retained).
Molecular consequence: synonymous variant.
Genome position (GRCh38, 1-based): chr12:109,574,897, C>T. VCF-style: chr12-109574897-C-T. GRCh37 (hg19) VCF-style: chr12-110012702-C-T.
Other names: c.75C>T, p.Gly25= (NM_001114185.3, NM_001301182.2).
Identifiers: ClinVar variation 97617 (VCV000097617.1), dbSNP rs104895330, ClinGen allele CA149889.